The following is an entry in ClinVar:

NM_004357.5(CD151):c.337G>A (p.Ala113Thr)

Gene: CD151 (CD151 molecule (Raph blood group); plus strand). Cytogenetic location: 11p15.5.
Variant type: single nucleotide variant.
Coding change: c.337G>A on transcript NM_004357.5 (MANE Select); coding-DNA position 337, G replaced by A.
Protein change: p.Ala113Thr; replaces alanine 113 with threonine.
Molecular consequence: missense variant.
Genome position (GRCh38, 1-based): chr11:836,829, G>A. VCF-style: chr11-836829-G-A. GRCh37 (hg19) VCF-style: chr11-836829-G-A.
Other names: c.337G>A, p.Ala113Thr (NM_001039490.2, NM_139029.2, NM_139030.4); short protein forms A113T.
Identifiers: ClinVar variation 3781178 (VCV003781178.1).

ClinVar aggregate classification (germline): Uncertain significance (1 of 4 stars; one submission).

gnomAD v4.1: 45 of 1,612,600 alleles (0.0028%); highest among the groups gnomAD compares: East Asian, 0.0045%; no homozygotes.

Submission:

GeneDx
Classification: Uncertain significance. Last evaluated: 2024-10-18. Review status: criteria provided, single submitter. Criteria: GeneDx Variant Classification Process June 2021. Collection method: clinical testing. Allele origin: germline. Affected: yes.
Comment: Not observed at significant frequency in large population cohorts (gnomAD); In silico analysis indicates that this missense variant does not alter protein structure/function; Has not been previously published as pathogenic or benign to our knowledge